The following is an entry in ClinVar:

NM_006947.4(SRP72):c.605C>G (p.Ala202Gly)

Gene: SRP72 (signal recognition particle 72; plus strand). Cytogenetic location: 4q12.
Variant type: single nucleotide variant.
Coding change: c.605C>G on transcript NM_006947.4 (MANE Select); coding-DNA position 605, C replaced by G.
Protein change: p.Ala202Gly; replaces alanine 202 with glycine.
Molecular consequence: missense variant. On other transcripts: non-coding transcript variant (1).
Genome position (GRCh38, 1-based): chr4:56,474,386, C>G. VCF-style: chr4-56474386-C-G. GRCh37 (hg19) VCF-style: chr4-57340552-C-G.
Other names: c.605C>G, p.Ala202Gly (NM_001267722.2); short protein forms A202G.
Identifiers: ClinVar variation 3372211 (VCV003372211.1).

ClinVar aggregate classification (germline): Uncertain significance (1 of 4 stars; one submission).

Submission:

GeneDx
Classification: Uncertain significance. Last evaluated: 2024-04-05. Review status: criteria provided, single submitter. Criteria: GeneDx Variant Classification Process June 2021. Collection method: clinical testing. Allele origin: germline. Affected: yes.
Comment: Not observed at significant frequency in large population cohorts (gnomAD); In silico analysis supports that this missense variant has a deleterious effect on protein structure/function; In silico analysis supports a deleterious effect on splicing; Has not been previously published as pathogenic or benign to our knowledge